The following is an entry in ClinVar:

ClinVar aggregate classification (germline): Likely benign (1 of 4 stars; one submission).

Submission:

GeneDx
Classification: Likely benign. Last evaluated: 2024-07-01. Review status: criteria provided, single submitter. Criteria: GeneDx Variant Classification Process June 2021. Collection method: clinical testing. Allele origin: germline.
Comment: See Variant Classification Assertion Criteria.

NM_005121.3(MED13):c.4835T>G (p.Val1612Gly)

Gene: MED13 (mediator complex subunit 13; minus strand). Cytogenetic location: 17q23.2.
Variant type: single nucleotide variant.
Coding change: c.4835T>G on transcript NM_005121.3 (MANE Select); coding-DNA position 4835, T replaced by G.
Protein change: p.Val1612Gly; replaces valine 1612 with glycine.
Molecular consequence: missense variant.
Genome position (GRCh38, 1-based): chr17:61,965,015, A>C on the plus strand (T>G on the coding strand, the complement: MED13 is on the minus strand). VCF-style: chr17-61965015-A-C. GRCh37 (hg19) VCF-style: chr17-60042376-A-C.
Other names: short protein forms V1612G.
Identifiers: ClinVar variation 2503123 (VCV002503123.2), dbSNP rs2509241581, ClinGen allele CA400495654.